The following is an entry in ClinVar:

NM_025137.4(SPG11):c.7056C>A (p.Tyr2352Ter)

Gene: SPG11 (SPG11 vesicle trafficking associated, spatacsin; minus strand). Cytogenetic location: 15q21.1.
Variant type: single nucleotide variant.
Coding change: c.7056C>A on transcript NM_025137.4 (MANE Select); coding-DNA position 7056, C replaced by A.
Protein change: p.Tyr2352Ter; replaces tyrosine 2352 with a stop codon.
Molecular consequence: nonsense.
Genome position (GRCh38, 1-based): chr15:44,564,642, G>T on the plus strand (C>A on the coding strand, the complement: SPG11 is on the minus strand). VCF-style: chr15-44564642-G-T. GRCh37 (hg19) VCF-style: chr15-44856840-G-T.
Other names: c.6717C>A, p.Tyr2239Ter (NM_001160227.2); short protein forms Y2239*, Y2352*.
Identifiers: ClinVar variation 971602 (VCV000971602.7), dbSNP rs746329317, ClinGen allele CA392212793.
Genomic context (GRCh38, chr15:44,564,642, plus strand): 5'-TAACCTTTGCTGCTTAAATTCTTCCAAGTAATTAAAGTCTCCTTTAAGAATCACTTGCTG[G>T]TATAAAATTTCAGCCCAATCTGGAACAAAATCGTAGGCCTCAGCCACAATAGAAGCCTTA-3'

ClinVar aggregate classification (germline): Pathogenic (1 of 4 stars; one submission).

Conditions:
Hereditary spastic paraplegia 11. Also called: Nakamura Osame syndrome; Autosomal recessive hereditary spastic paraplegia, mental impairment, and thin corpus callosum; Spastic Paraplegia 11; Spastic paraplegia, mental retardation and thin corpus callosum; SPASTIC PARAPLEGIA, AUTOSOMAL RECESSIVE, COMPLICATED, WITH THIN CORPUS CALLOSUM; SPASTIC PARAPLEGIA, AUTOSOMAL RECESSIVE, WITH MENTAL IMPAIRMENT AND THIN CORPUS CALLOSUM. Identifiers: Orphanet 2822, MedGen C1858479, MONDO:0011445, OMIM 604360.

gnomAD v4.1: 1 of 1,613,910 alleles (0.000062%); highest among the groups gnomAD compares: East Asian, 0.0022%; no homozygotes.

Submission:

Labcorp Genetics (formerly Invitae), Labcorp
Classification: Pathogenic for Hereditary spastic paraplegia 11. Last evaluated: 2024-08-19. Review status: criteria provided, single submitter. Criteria: Invitae Variant Classification Sherloc (09022015). Collection method: clinical testing. Allele origin: germline.
Comment: This sequence change creates a premature translational stop signal (p.Tyr2352*) in the SPG11 gene. It is expected to result in an absent or disrupted protein product. Loss-of-function variants in SPG11 are known to be pathogenic (PMID: 19105190, 20110243, 22154821, 26556829). This variant is not present in population databases (gnomAD no frequency). This variant has not been reported in the literature in individuals affected with SPG11-related conditions. ClinVar contains an entry for this variant (Variation ID: 971602). For these reasons, this variant has been classified as Pathogenic.

Literature cited by the submitters: PubMed 19105190; PubMed 20110243; PubMed 22154821; PubMed 26556829.